The following is an entry in ClinVar:

NM_000038.6(APC):c.2151del (p.Met717fs)

Gene: APC (APC regulator of Wnt signaling pathway; plus strand). Cytogenetic location: 5q22.2.
Variant type: Deletion.
Coding change: c.2151del on transcript NM_000038.6 (MANE Select); coding-DNA position 2151, one base deleted (G; older notation c.2151delG).
Protein change: p.Met717fs; shifts the reading frame from methionine 717.
Molecular consequence: frameshift variant. On other transcripts: non-coding transcript variant (2).
Genome position (GRCh38, 1-based): chr5:112,837,745, G deleted. VCF-style (leftmost placement, unchanged base first): chr5-112837744-TG-T. GRCh37 (hg19) VCF-style: chr5-112173441-TG-T.
Other names: c.1302del, p.Met434fs (NM_001354906.2, NM_001407470.1); c.2235del, p.Met745fs (NM_001407446.1); c.1848del, p.Met616fs (NM_001354903.2, NM_001407458.1, NM_001407459.1 and 1 more transcripts); c.1773del, p.Met591fs (NM_001354904.2); c.1671del, p.Met557fs (NM_001354905.2); c.2151del, p.Met717fs (NM_001127510.3, NM_001354895.2, NM_001407450.1); c.2097del, p.Met699fs (NM_001127511.3); c.2205del, p.Met735fs (NM_001354896.2, NM_001407447.1, NM_001407448.1 and 1 more transcripts); and 11 more; short protein forms M333fs, M434fs, M557fs, M588fs, M591fs, M616fs, M626fs, M634fs.
Identifiers: ClinVar variation 2583372 (VCV002583372.2), dbSNP rs2533400529, ClinGen allele CA2582341426.

ClinVar aggregate classification (germline): Pathogenic (1 of 4 stars; one submission).

Conditions:
Familial adenomatous polyposis 1 (FAP1). Also called: POLYPOSIS, ADENOMATOUS INTESTINAL; FAMILIAL ADENOMATOUS POLYPOSIS 1, ATTENUATED. Identifiers: MedGen C2713442, MONDO:0021056, OMIM 175100. Disease mechanism: loss of function.

Submission:

Myriad Genetics, Inc.
Classification: Pathogenic for Familial adenomatous polyposis 1. Last evaluated: 2023-05-04. Review status: criteria provided, single submitter. Criteria: Myriad Autosomal Dominant, Autosomal Recessive and X-Linked Classification Criteria (2023). Collection method: clinical testing. Allele origin: unknown.
Comment: This variant is considered pathogenic. This variant creates a frameshift predicted to result in premature protein truncation.